The following is an entry in ClinVar:

NM_001378452.1(ITPR1):c.5969G>A (p.Arg1990Gln)

Gene: ITPR1 (inositol 1,4,5-trisphosphate receptor type 1; plus strand). Cytogenetic location: 3p26.1.
Variant type: single nucleotide variant.
Coding change: c.5969G>A on transcript NM_001378452.1 (MANE Select); coding-DNA position 5969, G replaced by A.
Protein change: p.Arg1990Gln; replaces arginine 1990 with glutamine.
Molecular consequence: missense variant.
Genome position (GRCh38, 1-based): chr3:4,768,754, G>A. VCF-style: chr3-4768754-G-A. GRCh37 (hg19) VCF-style: chr3-4810438-G-A.
Other names: c.5825G>A, p.Arg1942Gln (NM_001099952.4); c.5924G>A, p.Arg1975Gln (NM_001168272.2); c.5780G>A, p.Arg1927Gln (NM_002222.7); c.5780G>A (NM_002222.5); short protein forms R1990Q, R1927Q, R1942Q, R1975Q.
Identifiers: ClinVar variation 2984033 (VCV002984033.3), dbSNP rs1463345799, ClinGen allele CA351635652.
Genomic context (GRCh38, chr3:4,768,754, plus strand): 5'-TCATCACCATCATGCAGCCCATCCTCCGCTTCCTTCAGCTCCTGTGTGAAAACCACAACC[G>A]AGACCTGCAGGTGAGGGCCTGGGGGTGGGGGCGTGGAGGGAGCTCGGGAAAGGCTGCCAA-3'
Protein context (NP_001365381.1, residues 1980-2000): FLQLLCENHN[Arg1990Gln]DLQNFLRCQN

ClinVar aggregate classification (germline): Uncertain significance. Review status: criteria provided, multiple submitters, no conflicts (2 of 4 stars). 2 submissions from 2 submitters: Uncertain significance (2). Last evaluated 2026-03-11.

Allele frequency attached by ClinVar (database versions not stated): gnomAD 0.00001; TOPMed 0.00001.
gnomAD v4.1: 11 of 1,611,204 alleles (0.00068%); highest among the groups gnomAD compares: East Asian, 0.0022%; no homozygotes.

Submissions (2):

GeneDx
Classification: Uncertain significance. Last evaluated: 2026-03-11. Review status: criteria provided, single submitter. Criteria: GeneDx Variant Classification Process June 2021. Collection method: clinical testing. Allele origin: germline.
Comment: In silico analysis suggests that this missense variant does not alter protein structure/function; Has not been previously published as pathogenic or benign to our knowledge

Labcorp Genetics (formerly Invitae), Labcorp
Classification: Uncertain significance. Last evaluated: 2023-06-03. Review status: criteria provided, single submitter. Criteria: Invitae Variant Classification Sherloc (09022015). Collection method: clinical testing. Allele origin: germline.
Comment: In summary, the available evidence is currently insufficient to determine the role of this variant in disease. Therefore, it has been classified as a Variant of Uncertain Significance. This sequence change replaces arginine, which is basic and polar, with glutamine, which is neutral and polar, at codon 1927 of the ITPR1 protein (p.Arg1927Gln). This variant is present in population databases (no rsID available, gnomAD 0.006%). This variant has not been reported in the literature in individuals affected with ITPR1-related conditions. Advanced modeling of protein sequence and biophysical properties (such as structural, functional, and spatial information, amino acid conservation, physicochemical variation, residue mobility, and thermodynamic stability) performed at Invitae indicates that this missense variant is not expected to disrupt ITPR1 protein function.